The following is an entry in ClinVar:

NM_001018115.3(FANCD2):c.2480A>C (p.Glu827Ala)

Genes: FANCD2 (FA complementation group D2; plus strand), LOC107303338 (3p25 FANCD2 Alu-mediated recombination region; plus strand). Cytogenetic location: 3p25.3.
Variant type: single nucleotide variant.
Coding change: c.2480A>C on transcript NM_001018115.3 (MANE Select); coding-DNA position 2480, A replaced by C.
Protein change: p.Glu827Ala; replaces glutamic acid 827 with alanine.
Molecular consequence: missense variant.
Genome position (GRCh38, 1-based): chr3:10,067,303, A>C. VCF-style: chr3-10067303-A-C. GRCh37 (hg19) VCF-style: chr3-10108987-A-C.
Other names: c.2480A>C, p.Glu827Ala (NM_001319984.2, NM_001374254.1, NM_033084.6); c.2369A>C, p.Glu790Ala (NM_001374253.1); short protein forms E827A, E790A.
Identifiers: ClinVar variation 342368 (VCV000342368.12), dbSNP rs145099733, ClinGen allele CA2250090.

ClinVar aggregate classification (germline): Uncertain significance. Review status: criteria provided, multiple submitters, no conflicts (2 of 4 stars). 2 submissions from 2 submitters: Uncertain significance (2). Last evaluated 2026-02-01.

Conditions:
Fanconi anemia (FA). Also called: Fanconi's anemia. Identifiers: Orphanet 84, MedGen C0015625, MeSH D005199, MONDO:0019391.
Fanconi anemia complementation group D2. Also called: FANCD2-Related Fanconi Anemia; FANCONI PANCYTOPENIA, TYPE 4; FANCONI ANEMIA, COMPLEMENTATION GROUP D. Identifiers: Orphanet 84, MedGen C3160738, MONDO:0009214, OMIM 227646.

Allele frequency attached by ClinVar (database versions not stated): gnomAD 0.00002; TOPMed 0.00002; gnomAD exomes 0.00008; ExAC 0.00009; 1000 Genomes Project 30x 0.00016; 1000 Genomes Project 0.00020.
gnomAD v4.1: 127 of 1,608,734 alleles (0.0079%); highest among the groups gnomAD compares: East Asian, 0.28%; 1 homozygote.

Submissions (2):

Labcorp Genetics (formerly Invitae), Labcorp
Classification: Uncertain significance for Fanconi anemia. Last evaluated: 2026-02-01. Review status: criteria provided, single submitter. Criteria: Invitae Variant Classification Sherloc (09022015). Collection method: clinical testing. Allele origin: germline.
Comment: This sequence change replaces glutamic acid, which is acidic and polar, with alanine, which is neutral and non-polar, at codon 827 of the FANCD2 protein (p.Glu827Ala). This variant is present in population databases (rs145099733, gnomAD 0.1%). This variant has not been reported in the literature in individuals affected with FANCD2-related conditions. ClinVar contains an entry for this variant (Variation ID: 342368). Invitae Evidence Modeling of protein sequence and biophysical properties (such as structural, functional, and spatial information, amino acid conservation, physicochemical variation, residue mobility, and thermodynamic stability) indicates that this missense variant is not expected to disrupt FANCD2 protein function with a negative predictive value of 80%. In summary, the available evidence is currently insufficient to determine the role of this variant in disease. Therefore, it has been classified as a Variant of Uncertain Significance.

Illumina Laboratory Services, Illumina
Classification: Uncertain significance for Fanconi anemia complementation group D2. Last evaluated: 2018-01-13. Review status: criteria provided, single submitter. Criteria: ICSL Variant Classification Criteria 13 December 2019. Collection method: clinical testing. Allele origin: germline.